The following is an entry in ClinVar:

ClinVar aggregate classification (germline): Uncertain significance. Review status: criteria provided, multiple submitters, no conflicts (2 of 4 stars). 2 submissions from 2 submitters: Uncertain significance (2). Last evaluated 2025-12-02.

Conditions:
Inborn genetic diseases. Identifiers: MedGen C0950123, MeSH D030342.

Submissions (2):

Women's Health and Genetics/Laboratory Corporation of America, LabCorp
Classification: Uncertain significance. Last evaluated: 2025-12-02. Review status: criteria provided, single submitter. Criteria: LabCorp Variant Classification Summary - May 2015. Collection method: clinical testing. Allele origin: germline.
Comment: Variant summary: CREB3L1 c.458T>G (p.Met153Arg) results in a non-conservative amino acid change in the encoded protein sequence. Algorithms developed to predict the effect of missense changes on protein structure and function are either unavailable or do not agree on the potential impact of this missense change. The variant was absent in 170114 control chromosomes. The available data on variant occurrences in the general population are insufficient to allow any conclusion about variant significance. To our knowledge, no occurrence of c.458T>G in individuals affected with CREB3L1-related conditions and no experimental evidence demonstrating its impact on protein function have been reported. ClinVar contains an entry for this variant (Variation ID: 2359216). Based on the evidence outlined above, the variant was classified as uncertain significance.

Ambry Genetics
Classification: Uncertain significance for Inborn genetic diseases. Last evaluated: 2021-09-27. Review status: criteria provided, single submitter. Criteria: Ambry Variant Classification Scheme 2023. Collection method: clinical testing. Allele origin: germline.

NM_052854.4(CREB3L1):c.458T>G (p.Met153Arg)

Gene: CREB3L1 (cAMP responsive element binding protein 3 like 1; plus strand). Cytogenetic location: 11p11.2.
Variant type: single nucleotide variant.
Coding change: c.458T>G on transcript NM_052854.4 (MANE Select); coding-DNA position 458, T replaced by G.
Protein change: p.Met153Arg; replaces methionine 153 with arginine.
Molecular consequence: missense variant.
Genome position (GRCh38, 1-based): chr11:46,307,942, T>G. VCF-style: chr11-46307942-T-G. GRCh37 (hg19) VCF-style: chr11-46329493-T-G.
Other names: short protein forms M153R.
Identifiers: ClinVar variation 2359216 (VCV002359216.3), dbSNP rs1939424913, ClinGen allele CA380216747.